The following is an entry in ClinVar:

ClinVar aggregate classification (germline): Uncertain significance (1 of 4 stars; one submission).

Allele frequency attached by ClinVar (database versions not stated): gnomAD exomes below 0.00001; ExAC 0.00001.
gnomAD v4.1: 1 of 1,594,510 alleles (0.000063%); highest among the groups gnomAD compares: South Asian, 0.0011%; no homozygotes.

Submission:

Labcorp Genetics (formerly Invitae), Labcorp
Classification: Uncertain significance. Last evaluated: 2022-02-10. Review status: criteria provided, single submitter. Criteria: Invitae Variant Classification Sherloc (09022015). Collection method: clinical testing. Allele origin: germline.
Comment: In summary, the available evidence is currently insufficient to determine the role of this variant in disease. Therefore, it has been classified as a Variant of Uncertain Significance. Variants that disrupt the consensus splice site are a relatively common cause of aberrant splicing (PMID: 17576681, 9536098). Algorithms developed to predict the effect of sequence changes on RNA splicing suggest that this variant may disrupt the consensus splice site. This variant has not been reported in the literature in individuals affected with ENPP1-related conditions. This variant is present in population databases (rs760570313, gnomAD 0.003%). This sequence change falls in intron 9 of the ENPP1 gene. It does not directly change the encoded amino acid sequence of the ENPP1 protein. It affects a nucleotide within the consensus splice site.

Literature cited by the submitters: PubMed 17576681; PubMed 9536098.

NM_006208.3(ENPP1):c.1026-3T>A

Gene: ENPP1 (ectonucleotide pyrophosphatase/phosphodiesterase 1; plus strand). Cytogenetic location: 6q23.2.
Variant type: single nucleotide variant.
Coding change: c.1026-3T>A on transcript NM_006208.3 (MANE Select); 3 bases into the intron before coding-DNA position 1026, T replaced by A.
Molecular consequence: intron variant.
Genome position (GRCh38, 1-based): chr6:131,864,503, T>A. VCF-style: chr6-131864503-T-A. GRCh37 (hg19) VCF-style: chr6-132185643-T-A.
Identifiers: ClinVar variation 1944885 (VCV001944885.5), dbSNP rs760570313, ClinGen allele CA4002079.